The following is an entry in ClinVar:

ClinVar aggregate classification (germline): Conflicting classifications of pathogenicity. Review status: criteria provided, conflicting classifications (1 of 4 stars). 2 submissions from 2 submitters: Likely pathogenic (1); Uncertain significance (1). Last evaluated 2025-10-22.

Allele frequency attached by ClinVar (database versions not stated): gnomAD 0.00001.
gnomAD v4.1: 1 of 1,613,784 alleles (0.000062%); highest among the groups gnomAD compares: African/African-American, 0.0013%; no homozygotes.

Submissions (2):

Labcorp Genetics (formerly Invitae), Labcorp
Classification: Uncertain significance. Last evaluated: 2025-10-22. Review status: criteria provided, single submitter. Criteria: Invitae Variant Classification Sherloc (09022015). Collection method: clinical testing. Allele origin: germline.
Comment: This sequence change replaces glycine, which is neutral and non-polar, with serine, which is neutral and polar, at codon 549 of the COL2A1 protein (p.Gly549Ser). This variant is not present in population databases (gnomAD no frequency). This variant has not been reported in the literature in individuals affected with COL2A1-related conditions. ClinVar contains an entry for this variant (Variation ID: 857519). Invitae Evidence Modeling of protein sequence and biophysical properties (such as structural, functional, and spatial information, amino acid conservation, physicochemical variation, residue mobility, and thermodynamic stability) indicates that this missense variant is expected to disrupt COL2A1 protein function with a positive predictive value of 95%. This variant disrupts the triple helix domain of COL2A1. Glycine residues within the Gly-Xaa-Yaa repeats of the triple helix domain are required for the structure and stability of fibrillar collagens (PMID: 7695699, 8218237, 19344236). In COL2A1, variants affecting these glycine residues are significantly enriched in individuals with disease (PMID: 9016532, 17078022) compared to the general population (ExAC). In summary, the available evidence is currently insufficient to determine the role of this variant in disease. Therefore, it has been classified as a Variant of Uncertain Significance.

GeneDx
Classification: Likely pathogenic. Last evaluated: 2025-07-17. Review status: criteria provided, single submitter. Criteria: GeneDx Variant Classification Process June 2021. Collection method: clinical testing. Allele origin: germline. Affected: yes.
Comment: Occurs in the triple helical domain and replaces a glycine in a canonical Gly-X-Y repeat; missense substitution of a canonical glycine residue is expected to disrupt normal protein folding and function, and this is an established mechanism of disease (PMID: 34007986); In silico analysis supports that this missense variant has a deleterious effect on protein structure/function; Has not been previously published as pathogenic or benign to our knowledge; Not observed at significant frequency in large population cohorts (gnomAD); This variant is associated with the following publications: (PMID: 34007986)

Literature cited by the submitters: PubMed 7695699 (cited by Labcorp Genetics (formerly Invitae), Labcorp); PubMed 8218237 (cited by Labcorp Genetics (formerly Invitae), Labcorp); PubMed 19344236 (cited by Labcorp Genetics (formerly Invitae), Labcorp); PubMed 9016532 (cited by Labcorp Genetics (formerly Invitae), Labcorp); PubMed 17078022 (cited by Labcorp Genetics (formerly Invitae), Labcorp).

NM_001844.5(COL2A1):c.1645G>A (p.Gly549Ser)

Gene: COL2A1 (collagen type II alpha 1 chain; minus strand). Cytogenetic location: 12q13.11.
Variant type: single nucleotide variant.
Coding change: c.1645G>A on transcript NM_001844.5 (MANE Select); coding-DNA position 1645, G replaced by A.
Protein change: p.Gly549Ser; replaces glycine 549 with serine.
Molecular consequence: missense variant.
Genome position (GRCh38, 1-based): chr12:47,985,763, C>T on the plus strand (G>A on the coding strand, the complement: COL2A1 is on the minus strand). VCF-style: chr12-47985763-C-T. GRCh37 (hg19) VCF-style: chr12-48379546-C-T.
Other names: c.1438G>A, p.Gly480Ser (NM_033150.3); short protein forms G549S, G480S.
Identifiers: ClinVar variation 857519 (VCV000857519.12), dbSNP rs907944585, ClinGen allele CA236527459.